The following is an entry in ClinVar:

NM_024496.4(IRF2BPL):c.2274C>T (p.Cys758=)

Gene: IRF2BPL (interferon regulatory factor 2 binding protein like; minus strand). Cytogenetic location: 14q24.3.
Variant type: single nucleotide variant.
Coding change: c.2274C>T on transcript NM_024496.4 (MANE Select); coding-DNA position 2274, C replaced by T.
Protein change: p.Cys758=; no amino-acid change (cysteine 758 retained).
Molecular consequence: synonymous variant.
Genome position (GRCh38, 1-based): chr14:77,025,519, G>A on the plus strand (C>T on the coding strand, the complement: IRF2BPL is on the minus strand). VCF-style: chr14-77025519-G-A. GRCh37 (hg19) VCF-style: chr14-77491862-G-A.
Other names: p.Cys758=.
Identifiers: ClinVar variation 4683904 (VCV004683904.1).
Genomic context (GRCh38, chr14:77,025,519, plus strand): 5'-GCCCTGCATGAAGGCCCAAGGTACATTCGACCCGACTAGGGGGCATTTCTCTCCGCTGGG[G>A]CAATACACCTCGCCGGTGGCCCCCTGGGCCTTGATACTCTCTCTAGAGCAAGGGAAGCAA-3'
Protein context (NP_078772.1, residues 748-768): KAQGATGEVY[Cys758=]PSGEKCPLVG

ClinVar aggregate classification (germline): Benign (1 of 4 stars; one submission).

gnomAD v4.1: 1,351 of 1,613,966 alleles (0.084%); highest among the groups gnomAD compares: African/African-American, 1.6%; 16 homozygotes.

Submission:

Mayo Clinic Laboratories, Mayo Clinic
Classification: Benign. Last evaluated: 2025-10-01. Review status: criteria provided, single submitter. Criteria: ACMG Guidelines, 2015. Collection method: clinical testing. Allele origin: germline. Observed: 1 variant allele.
Comment: BA1, BP4, BP7